The following is an entry in ClinVar:

NM_001130438.3(SPTAN1):c.884G>T (p.Arg295Leu)

Gene: SPTAN1 (spectrin alpha, non-erythrocytic 1; plus strand). Cytogenetic location: 9q34.11.
Variant type: single nucleotide variant.
Coding change: c.884G>T on transcript NM_001130438.3 (MANE Select); coding-DNA position 884, G replaced by T.
Protein change: p.Arg295Leu; replaces arginine 295 with leucine.
Molecular consequence: missense variant.
Genome position (GRCh38, 1-based): chr9:128,577,227, G>T. VCF-style: chr9-128577227-G-T. GRCh37 (hg19) VCF-style: chr9-131339506-G-T.
Other names: c.884G>T, p.Arg295Leu (NM_001195532.2, NM_001363759.2, NM_001363765.2 and 10 more transcripts); c.920G>T, p.Arg307Leu (NM_001375312.2, NM_001375318.1, NM_001438440.1); short protein forms R295L, R307L.
Identifiers: ClinVar variation 4801841 (VCV004801841.1).

ClinVar aggregate classification (germline): Uncertain significance (1 of 4 stars; one submission).

Conditions:
Early-infantile DEE. Also called: Early infantile epileptic encephalopathy; Early infantile epileptic encephalopathy with suppression bursts; Ohtahara syndrome. Identifiers: Orphanet 1934, MedGen C0393706, MONDO:0800491.

Submission:

Labcorp Genetics (formerly Invitae), Labcorp
Classification: Uncertain significance for Early-infantile DEE. Last evaluated: 2026-01-27. Review status: criteria provided, single submitter. Criteria: Invitae Variant Classification Sherloc (09022015). Collection method: clinical testing. Allele origin: germline.
Comment: This sequence change replaces arginine, which is basic and polar, with leucine, which is neutral and non-polar, at codon 295 of the SPTAN1 protein (p.Arg295Leu). This variant is not present in population databases (gnomAD no frequency). This variant has not been reported in the literature in individuals affected with SPTAN1-related conditions. Invitae Evidence Modeling of protein sequence and biophysical properties (such as structural, functional, and spatial information, amino acid conservation, physicochemical variation, residue mobility, and thermodynamic stability) has been performed for this missense variant. However, the output from this modeling did not meet the statistical confidence thresholds required to predict the impact of this variant on SPTAN1 protein function. In summary, the available evidence is currently insufficient to determine the role of this variant in disease. Therefore, it has been classified as a Variant of Uncertain Significance.